The following is an entry in ClinVar:

NM_000069.3(CACNA1S):c.2424C>A (p.Phe808Leu)

Gene: CACNA1S (calcium voltage-gated channel subunit alpha1 S; minus strand). Cytogenetic location: 1q32.1.
Variant type: single nucleotide variant.
Coding change: c.2424C>A on transcript NM_000069.3 (MANE Select); coding-DNA position 2424, C replaced by A.
Protein change: p.Phe808Leu; replaces phenylalanine 808 with leucine.
Molecular consequence: missense variant.
Genome position (GRCh38, 1-based): chr1:201,069,538, G>T on the plus strand (C>A on the coding strand, the complement: CACNA1S is on the minus strand). VCF-style: chr1-201069538-G-T. GRCh37 (hg19) VCF-style: chr1-201038666-G-T.
Other names: short protein forms F808L.
Identifiers: ClinVar variation 3577237 (VCV003577237.2).

ClinVar aggregate classification (germline): Uncertain significance. Review status: criteria provided, multiple submitters, no conflicts (2 of 4 stars). 2 submissions from 2 submitters: Uncertain significance (2). Last evaluated 2025-06-09.

Conditions:
Malignant hyperthermia, susceptibility to, 5 (MHS5). Also called: CACNA1S-Related Malignant Hyperthermia Susceptibility. Identifiers: Orphanet 423, MedGen C1866077, MONDO:0011163, OMIM 601887.
Hypokalemic periodic paralysis, type 1. Also called: Hypokalemic Periodic Paralysis Type 1 (AD); HypoPP. Identifiers: Orphanet 681, MedGen C3714580, MONDO:0042979, OMIM 170400.
Congenital myopathy 18. Also called: Myopathy, congenital, due to dihydropyridine receptor defect; DIHYDROPYRIDINE RECEPTOR CONGENITAL MYOPATHY; DHPR CONGENITAL MYOPATHY. Identifiers: MedGen C5830283, MONDO:0859514, OMIM 620246.
Thyrotoxic periodic paralysis, susceptibility to, 1 (TTPP1). Identifiers: Orphanet 79102, MedGen C2749982, MONDO:0008570, OMIM 188580.

gnomAD v4.1: 5 of 1,584,536 alleles (0.00032%); highest among the groups gnomAD compares: Non-Finnish European, 0.00043%; no homozygotes.

Submissions (2):

Color Diagnostics, LLC DBA Color Health
Classification: Uncertain significance for Malignant hyperthermia, susceptibility to, 5. Last evaluated: 2025-06-09. Review status: criteria provided, single submitter. Criteria: ACMG Guidelines, 2015. Collection method: clinical testing. Allele origin: germline.
Comment: This missense variant replaces phenylalanine with leucine at codon 808 of the CACNA1S protein. Computational prediction is inconclusive regarding the impact of this variant on protein structure and function. To our knowledge, functional studies have not been reported for this variant. This variant has not been reported in individuals affected with CACNA1S-related disorders in the literature. This variant has not been identified in the general population by the Genome Aggregation Database (gnomAD). The available evidence is insufficient to determine the role of this variant in disease conclusively. Therefore, this variant is classified as a Variant of Uncertain Significance.

Fulgent Genetics
Classification: Uncertain significance for Hypokalemic periodic paralysis, type 1; Thyrotoxic periodic paralysis, susceptibility to, 1; Malignant hyperthermia, susceptibility to, 5; Congenital myopathy 18. Last evaluated: 2024-06-03. Review status: criteria provided, single submitter. Criteria: ACMG Guidelines, 2015. Collection method: clinical testing. Allele origin: germline.